The following is an entry in ClinVar:

ClinVar aggregate classification (germline): Pathogenic (0 of 4 stars; one submission).

Submission:

Quest Diagnostics Nichols Institute San Juan Capistrano
Classification: Pathogenic. Last evaluated: 2021-04-01. Review status: no assertion criteria provided. Collection method: clinical testing. Allele origin: germline.
Comment: This copy number loss is expected to cause phenotypic and/or developmental abnormalities. Inherited and de novo deletions involving 16p13.11 have been implicated in variable phenotypes ranging from normalcy to neurodevelopmental disorders with intellectual disability. A male-biased effect has been observed (Tropeano et al. PLoS One. 2013 Apr 18;8(4):e61365. PMID: 23637818; Nagamani et al., Eur J Hum Genet. 2010 19(3):280-6, PMID: 21150890; Hannes et al., 2009. J Med Genet. 46(4):223-32, PMID: 18550696; Ullmann et al., 2007. Hum Mutat. 28(7):674-82, PMID: 17480035). Inheritance from a normal or mildly affected parent has been reported, suggesting incomplete penetrance and variable expressivity. NDE1 (609449) is the strongest candidate gene for the associated neurodevelopmental phenotypes. Other genes likely contribute to the phenotype as well. Biallelic pathogenic variants in NDE1 are also associated with autosomal recessive lissencephaly 4 with microcephaly (OMIM 614019) and microhydranencephaly (605013).

GRCh37/hg19 16p13.11-12.3(chr16:15375911-18198455)x1

Genes: CEP20 (centrosomal protein 20; minus strand), MARF1 (meiosis regulator and mRNA stability factor 1; minus strand), MPV17L (MPV17 mitochondrial inner membrane protein like; plus strand), ABCC1 (ATP binding cassette subfamily C member 1 (ABCC1 blood group); plus strand), ABCC6 (ATP binding cassette subfamily C member 6; minus strand) and 6 more. Cytogenetic location: 16p13.11-12.3.
Variant type: copy number loss.
Change: copy number 1 (one copy instead of two) of chr16:15,375,911-18,198,455 (2.82 Mb, GRCh37 coordinates, 1-based), cytogenetic band 16p13.11-12.3.
Identifiers: ClinVar variation 980082 (VCV000980082.2).